The following is an entry in ClinVar:

NM_001367624.2(ZNF469):c.6236C>T (p.Ser2079Phe)

Gene: ZNF469 (zinc finger protein 469; plus strand). Cytogenetic location: 16q24.2.
Variant type: single nucleotide variant.
Coding change: c.6236C>T on transcript NM_001367624.2 (MANE Select); coding-DNA position 6236, C replaced by T.
Protein change: p.Ser2079Phe; replaces serine 2079 with phenylalanine.
Molecular consequence: missense variant.
Genome position (GRCh38, 1-based): chr16:88,433,706, C>T. VCF-style: chr16-88433706-C-T. GRCh37 (hg19) VCF-style: chr16-88500114-C-T.
Other names: NM_001127464.1:c.6152C>T; NM_001127464.2:c.6152C>T; short protein forms S2079F.
Identifiers: ClinVar variation 1217150 (VCV001217150.16), dbSNP rs765190704, ClinGen allele CA8225133.

ClinVar aggregate classification (germline): Conflicting classifications of pathogenicity. Review status: criteria provided, conflicting classifications (1 of 4 stars). 5 submissions from 5 submitters: Uncertain significance (1); Benign (1); Likely benign (3). Last evaluated 2026-08-19.

Conditions:
ZNF469-related disorder. Also called: ZNF469-related condition.
Cardiovascular phenotype. Identifiers: MedGen CN230736.

Allele frequency attached by ClinVar (database versions not stated): gnomAD 0.00005 and 0.00006; gnomAD exomes 0.00019; ExAC 0.00057.
gnomAD v4.1: 82 of 1,549,222 alleles (0.0053%); highest among the groups gnomAD compares: Non-Finnish European, 0.00087%; 1 homozygote.

Submissions (5):

GeneDx
Classification: Uncertain significance. Last evaluated: 2026-08-19. Review status: criteria provided, single submitter. Criteria: GeneDx Variant Classification Process June 2021. Collection method: clinical testing. Allele origin: germline.
Comment: Has not been previously published as pathogenic or benign to our knowledge; In silico analysis suggests that this missense variant does not alter protein structure/function

Women's Health and Genetics/Laboratory Corporation of America, LabCorp
Classification: Likely benign. Last evaluated: 2026-03-04. Review status: criteria provided, single submitter. Criteria: LabCorp Variant Classification Summary - May 2015. Collection method: clinical testing. Allele origin: germline.
Comment: Variant summary: ZNF469 c.6236C>T (p.Ser2079Phe) results in a non-conservative amino acid change in the encoded protein sequence. Algorithms developed to predict the effect of missense changes on protein structure and function are either unavailable or do not agree on the potential impact of this missense change. The variant allele was found at a frequency of 0.00019 in 144806 control chromosomes, predominantly at a frequency of 0.0029 within the Ashkenazi Jewish subpopulation in the gnomAD database. The observed variant frequency within Ashkenazi Jewish control individuals in the gnomAD database exceeds the estimated maximal expected allele frequency for disease-causing variants in ZNF469. To our knowledge, no occurrence of c.6236C>T in individuals affected with ZNF469-related conditions and no experimental evidence demonstrating its impact on protein function have been reported. ClinVar contains an entry for this variant (Variation ID: 1217150). Based on the evidence outlined above, the variant was classified as likely benign.

Labcorp Genetics (formerly Invitae), Labcorp
Classification: Likely benign. Last evaluated: 2026-01-21. Review status: criteria provided, single submitter. Criteria: Invitae Variant Classification Sherloc (09022015). Collection method: clinical testing. Allele origin: germline.

PreventionGenetics, part of Exact Sciences
Classification: Likely benign for ZNF469-related condition. Last evaluated: 2024-12-02. Review status: criteria provided, single submitter. Criteria: ACMG Guidelines, 2015. Collection method: clinical testing. Allele origin: germline.
Comment: This variant is classified as likely benign based on ACMG/AMP sequence variant interpretation guidelines (Richards et al. 2015 PMID: 25741868, with internal and published modifications).

Ambry Genetics
Classification: Benign for Cardiovascular phenotype. Last evaluated: 2020-11-23. Review status: criteria provided, single submitter. Criteria: Ambry Variant Classification Scheme 2023. Collection method: clinical testing. Allele origin: germline.